The following is an entry in ClinVar:

NM_000059.4(BRCA2):c.8243G>A (p.Gly2748Asp)

Gene: BRCA2 (BRCA2 DNA repair associated; plus strand). Cytogenetic location: 13q13.1.
Variant type: single nucleotide variant.
Coding change: c.8243G>A on transcript NM_000059.4 (MANE Select); coding-DNA position 8243, G replaced by A.
Protein change: p.Gly2748Asp; replaces glycine 2748 with aspartic acid.
Molecular consequence: missense variant.
Genome position (GRCh38, 1-based): chr13:32,363,445, G>A. VCF-style: chr13-32363445-G-A. GRCh37 (hg19) VCF-style: chr13-32937582-G-A.
Other names: 8471G>A; short protein forms G2748D.
Identifiers: ClinVar variation 52535 (VCV000052535.63), dbSNP rs80359071, ClinGen allele CA025535.
Genomic context (GRCh38, chr13:32,363,445, plus strand): 5'-TTAAGGCCCAGTTAGATCCTCCCCTCTTAGCTGTCTTAAAGAATGGCAGACTGACAGTTG[G>A]TCAGAAGATTATTCTTCATGGAGCAGAACTGGTGGGCTCTCCTGATGCCTGTACACCTCT-3'
Protein context (NP_000050.3, residues 2738-2758): AVLKNGRLTV[Gly2748Asp]QKIILHGAEL

ClinVar aggregate classification (germline): Pathogenic. Review status: reviewed by expert panel (3 of 4 stars). 26 submissions from 26 submitters: Pathogenic (1). 25 of the submissions do not count toward it. Last evaluated 2015-08-10.
ClinVar aggregate classification (oncogenicity): Oncogenic (1 of 4 stars; one submission).

Conditions:
Gastric cancer. Also called: Malignant tumor of stomach; Stomach cancer. Identifiers: MedGen C0024623, MeSH D013274, MONDO:0001056, OMIM 613659, HP:0012126.
Hereditary cancer-predisposing syndrome. Also called: Hereditary neoplastic syndrome; Hereditary Cancer Syndrome; Neoplastic Syndromes, Hereditary; Tumor predisposition. Identifiers: Orphanet 140162, MedGen C0027672, MeSH D009386, MONDO:0015356.
Hereditary breast ovarian cancer syndrome. Also called: Hereditary breast and/or ovarian cancer syndrome; Breast and ovarian cancer; BRCA1- and BRCA2-Associated Hereditary Breast and Ovarian Cancer; Hereditary breast and ovarian cancer syndrome; Hereditary breast and ovarian cancer; Hereditary breast and ovarian cancer syndrome (HBOC). Identifiers: Orphanet 145, MedGen C0677776, MeSH D061325, MONDO:0003582. Disease mechanism: loss of function.
Breast-ovarian cancer, familial, susceptibility to, 2 (BROVCA2). Also called: BRCA2 Hereditary Breast and Ovarian Cancer. Identifiers: Orphanet 145, MedGen C2675520, MONDO:0012933, OMIM 612555. Disease mechanism: loss of function.
Familial cancer of breast. Also called: Hereditary breast cancer; BREAST CANCER, FAMILIAL; hereditary breast carcinoma. Identifiers: Orphanet 227535, MedGen C0346153, MONDO:0016419, OMIM 114480. Disease mechanism: loss of function.
Neoplasm. Also called: tumor; Neoplasms; Neoplasm (disease). Identifiers: MedGen C0027651, MeSH D009369, MONDO:0005070, HP:0002664.

Allele frequency attached by ClinVar (database versions not stated): gnomAD exomes 0.00001 and below 0.00001.
gnomAD v4.1: 5 of 1,614,190 alleles (0.00031%); highest among the groups gnomAD compares: Non-Finnish European, 0.00042%; no homozygotes.

Submissions 1 to 8 of 27:

Evidence-based Network for the Interpretation of Germline Mutant Alleles (ENIGMA)
Classification: Pathogenic for Breast-ovarian cancer, familial 2. Last evaluated: 2015-08-10. Review status: reviewed by expert panel. Criteria: ENIGMA BRCA1/2 Classification Criteria (2015). Collection method: curation. Allele origin: germline.
Comment: IARC class based on posterior probability from multifactorial likelihood analysis, thresholds for class as per Plon et al. 2008 (PMID: 18951446). Class 5 based on posterior probability = 1

Center for Genomic Medicine, Rigshospitalet, Copenhagen University Hospital
Classification: Oncogenic for Neoplasm. Last evaluated: 2026-10-16. Review status: criteria provided, single submitter. Criteria: ClinGen/CGC/VICC Guidelines for Oncogenicity, 2022. Collection method: clinical testing. Allele origin: somatic. Affected: yes.

Labcorp Genetics (formerly Invitae), Labcorp
Classification: Pathogenic for Hereditary breast ovarian cancer syndrome. Last evaluated: 2025-12-14. Review status: criteria provided, single submitter. Criteria: Invitae Variant Classification Sherloc (09022015). Collection method: clinical testing. Allele origin: germline. Not counted in ClinVar's aggregate classification.
Comment: This sequence change replaces glycine, which is neutral and non-polar, with aspartic acid, which is acidic and polar, at codon 2748 of the BRCA2 protein (p.Gly2748Asp). This variant is present in population databases (rs80359071, gnomAD 0.002%). This missense change has been observed in individual(s) with breast and/or ovarian cancer (PMID: 15026808, 17924331, 22711857). It has also been observed to segregate with disease in related individuals. ClinVar contains an entry for this variant (Variation ID: 52535). Invitae Evidence Modeling incorporating data from in vitro experimental studies (PMID: 33609447) indicates that this missense variant is expected to disrupt BRCA2 function with a positive predictive value of 95%. Experimental studies have shown that this missense change affects BRCA2 function (PMID: 18451181, 21671020, 23108138, 23328489, 25146914). For these reasons, this variant has been classified as Pathogenic.

Quest Diagnostics Nichols Institute San Juan Capistrano
Classification: Pathogenic. Last evaluated: 2025-04-09. Review status: criteria provided, single submitter. Criteria: Quest Diagnostics criteria. Collection method: clinical testing. Allele origin: unknown. Not counted in ClinVar's aggregate classification.
Comment: The BRCA2 c.8243G>A (p.Gly2748Asp) variant has been reported in the published literature in individuals with breast cancer (PMID: 18451181 (2008), 15026808 (2004), 35402282 (2022)). Assessment of experimental evidence suggests this variant results in abnormal protein function (PMID: 25146914 (2014), 23328489 (2013), 18451181 (2007), 33609447 (2021), 33978741 (2021), 33964450 (2021)). The frequency of this variant in the general population (Genome Aggregation Database) is consistent with pathogenicity. Analysis of this variant using bioinformatics tools for the prediction of the effect of amino acid changes on protein structure and function yielded predictions that this variant is damaging. Based on the available information, this variant is classified as pathogenic.

Variantyx, Inc.
Classification: Pathogenic for Breast-ovarian cancer, familial, susceptibility to, 2. Last evaluated: 2025-03-02. Review status: criteria provided, single submitter. Criteria: Variantyx Assertion Criteria 2022. Collection method: clinical testing. Allele origin: germline. Inheritance: Autosomal dominant inheritance. Affected: yes. Not counted in ClinVar's aggregate classification.
Comment: This is a nonsynonymous variant in the BRCA2 gene (OMIM: 600185). Pathogenic variants in this gene have been associated with autosomal dominant susceptibility to familial breast-ovarian cancer 2. It has been reported in at least two unrelated affected individuals (PMID: 15026808, 25447315) (PS4_Moderate). Functional studies have shown that this variant alters BRCA2 protein function (PMID: 18451181, 23108138, 23328489, 25146914, 29884841, 35736817) (PS3) and multiple computational algorithms predict a deleterious effect for this variant (REVEL score: 0.877) (PP3). This variant has a 0.0004% maximum allele frequency in non-founder control populations (PM2). Other reputable laboratories have reported this variant as pathogenic or likely pathogenic, and this classification has been validated by an expert panel in ClinVar (PP5). Based on the current evidence, this variant is classified as pathogenic for autosomal dominant susceptibility to familial breast-ovarian cancer 2.

Color Diagnostics, LLC DBA Color Health
Classification: Pathogenic for Hereditary cancer-predisposing syndrome. Last evaluated: 2025-02-24. Review status: criteria provided, single submitter. Criteria: ACMG Guidelines, 2015. Collection method: clinical testing. Allele origin: germline. Not counted in ClinVar's aggregate classification.
Comment: This missense variant replaces glycine with aspartic acid at codon 2748 in the DNA binding domain of the BRCA2 protein. Computational prediction suggests that this variant may have deleterious impact on protein structure and function. Functional studies have found this variant protein to be defective in homology-directed DNA repair assays in mammalian and yeast cells and in corroborating assays (PMID: 18451181, 23108138, 23328489, 25146914, 29988080, 32444794, 33609447, 35736817, 39779857). This variant has been reported in at least 10 individuals and families with history of breast and/or ovarian cancer (PMID: 15026808, 18451181, 22711857, 26824983). This variant also has been detected in a breast cancer case-control meta-analysis in 3/60466 cases and 0/53461 unaffected individuals (PMID: 33471991; Leiden Open Variation Database DB-ID BRCA2_000301). A multifactorial analysis has reported a likelihood ratio for pathogenicity based on personal and family history of 14.777 from log(LR)=1.16958034 for 9 carriers (PMID: 31853058). This variant has been identified in 2/249060 chromosomes in the general population by the Genome Aggregation Database (gnomAD). Based on the available evidence, this variant is classified as Pathogenic.

Ambry Genetics
Classification: Pathogenic for Hereditary cancer-predisposing syndrome. Last evaluated: 2024-11-05. Review status: criteria provided, single submitter. Criteria: Ambry Variant Classification Scheme 2023. Collection method: clinical testing. Allele origin: germline. Not counted in ClinVar's aggregate classification.
Comment: The p.G2748D pathogenic variant (also known as c.8243G>A), located in coding exon 17 of the BRCA2 gene, results from a G to A substitution at nucleotide position 8243. The glycine at codon 2748 is replaced by aspartic acid, an amino acid with very few similar properties. This alteration, also referred to as 8471G>A in some literature, behaves as non-functional in multiple assays including a homologous repair assay, a Brca2-null mouse embryonic stem cell complementation assay, and a PARP inhibitor assay (Richardson ME et al. Am J Hum Genet, 2021 03;108:458-468; Guidugli L et al. Cancer Res. 2013 Jan;73:265-75; Guidugli L et al. Hum. Mutat. 2014 Feb;35:151-64; Guidugli L et al. Am J Hum Genet. 2018 Feb 1;102(2):233-248; Mesman RLS et al. Genet Med. 2018 Jul 10; Ikegami M. et al. Nat Commun. 2020 May;11(1):2573). This amino acid position is highly conserved in available vertebrate species. In addition, this alteration is predicted to be deleterious by in silico analysis. The variant has been reported in multiple individuals with HBOC in the literature and is considered pathogenic by a multifactorial analysis model of variant interpretation which demonstrated strong co-segregation and family history scores (Rebbeck TR. Hum Mutat. 2018 May;39(5):593-620; Easton DF et al. Am J Hum Genet, 2007 Nov;81:873-83). Based on the supporting evidence, this alteration is interpreted as a disease-causing mutation.

German Consortium for Hereditary Breast and Ovarian Cancer, University Hospital Cologne
Classification: Pathogenic for Hereditary breast ovarian cancer syndrome. Last evaluated: 2024-08-13. Review status: criteria provided, single submitter. Criteria: ClinGen BRCA2 V1.1.0. Collection method: curation. Allele origin: germline. Not counted in ClinVar's aggregate classification.
Comment: According to the ClinGen ENIGMA BRCA2 v1.1.0 criteria we chose these criteria: PS3 (strong pathogenic): Ikegami 2022, Mesman 2019,... (Table 9 ClinGen ENIGMA Guidelines), PP3 (supporting pathogenic): BayesDel 0.458, PP4 (very strong pathogenic): Easton 2007: LLR 3,4 => LR: 2511